The following is an entry in ClinVar:

ClinVar aggregate classification (germline): Uncertain significance. Review status: criteria provided, multiple submitters, no conflicts (2 of 4 stars). 2 submissions from 2 submitters: Uncertain significance (2). Last evaluated 2024-01-18.

Conditions:
Fanconi anemia complementation group P. Also called: SLX4-Related Fanconi Anemia. Identifiers: Orphanet 84, MedGen C3469542, MONDO:0013499, OMIM 613951.
Fanconi anemia (FA). Also called: Fanconi's anemia. Identifiers: Orphanet 84, MedGen C0015625, MeSH D005199, MONDO:0019391.

Submissions (2):

Labcorp Genetics (formerly Invitae), Labcorp
Classification: Uncertain significance for Fanconi anemia. Last evaluated: 2024-01-18. Review status: criteria provided, single submitter. Criteria: Invitae Variant Classification Sherloc (09022015). Collection method: clinical testing. Allele origin: germline.
Comment: This variant, c.985_987del, results in the deletion of 1 amino acid(s) of the SLX4 protein (p.Ser329del), but otherwise preserves the integrity of the reading frame. This variant is not present in population databases (gnomAD no frequency). This variant has not been reported in the literature in individuals affected with SLX4-related conditions. ClinVar contains an entry for this variant (Variation ID: 1001970). Experimental studies and prediction algorithms are not available or were not evaluated, and the functional significance of this variant is currently unknown. In summary, the available evidence is currently insufficient to determine the role of this variant in disease. Therefore, it has been classified as a Variant of Uncertain Significance.

Fulgent Genetics
Classification: Uncertain significance for Fanconi anemia complementation group P. Last evaluated: 2021-11-03. Review status: criteria provided, single submitter. Criteria: ACMG Guidelines, 2015. Collection method: clinical testing. Allele origin: unknown.

NM_032444.4(SLX4):c.985_987del (p.Ser329del)

Gene: SLX4 (SLX4 structure-specific endonuclease subunit; minus strand). Cytogenetic location: 16p13.3.
Variant type: Deletion.
Coding change: c.985_987del on transcript NM_032444.4 (MANE Select); coding-DNA positions 985 to 987, 3 bases deleted (TCT; older notation c.985_987delTCT).
Protein change: p.Ser329del; deletes serine 329.
Molecular consequence: inframe deletion.
Genome position (GRCh38, 1-based): chr16:3,601,155-3,601,157, AGA deleted on the plus strand (TCT on the coding strand, the reverse complement: SLX4 is on the minus strand); deleting any 3 consecutive bases within chr16:3,601,155-3,601,159 gives the same sequence; the c. name uses the placement nearest the transcript's 3' end. VCF-style (leftmost placement, unchanged base first): chr16-3601154-CAGA-C. GRCh37 (hg19) VCF-style: chr16-3651155-CAGA-C.
Other names: short protein forms S329del.
Identifiers: ClinVar variation 1001970 (VCV001001970.9), dbSNP rs1289726066, ClinGen allele CA493269468.
Genomic context (GRCh38, chr16:3,601,154, plus strand): 5'-TTCTGCTCTTTAAGGTAAGAAACGGTTTCCCACAAATCGGGCACTCAGGGATCTGAGGCA[CAGA>C]AGGTCTTAGTGTCTTTTCAGCTTCATCCAAGCACCTGAAGGAAAACAGTCAATACAGGAG-3'